The following is an entry in ClinVar:

NM_033453.4(ITPA):c.100A>G (p.Thr34Ala)

Gene: ITPA (inosine triphosphatase; plus strand). Cytogenetic location: 20p13.
Variant type: single nucleotide variant.
Coding change: c.100A>G on transcript NM_033453.4 (MANE Select); coding-DNA position 100, A replaced by G.
Protein change: p.Thr34Ala; replaces threonine 34 with alanine.
Molecular consequence: missense variant. On other transcripts: 5 prime UTR variant (1), non-coding transcript variant (2), intron variant (4).
Genome position (GRCh38, 1-based): chr20:3,213,202, A>G. VCF-style: chr20-3213202-A-G. GRCh37 (hg19) VCF-style: chr20-3193848-A-G.
Other names: c.-238A>G (NM_001324237.2); c.100A>G, p.Thr34Ala (NM_001324240.2); c.49A>G, p.Thr17Ala (NM_181493.4); c.-274-56A>G (NM_001324238.2, NM_001324236.2, NM_001351739.2); c.67-783A>G (NM_001267623.2); short protein forms T34A, T17A.
Identifiers: ClinVar variation 854570 (VCV000854570.15), dbSNP rs199769023, ClinGen allele CA9741145.

ClinVar aggregate classification (germline): Uncertain significance. Review status: criteria provided, multiple submitters, no conflicts (2 of 4 stars). 2 submissions from 2 submitters: Uncertain significance (2). Last evaluated 2025-08-01.

Conditions:
Inosine triphosphatase deficiency. Also called: INOSINE TRIPHOSPHATE PYROPHOSPHOHYDROLASE DEFICIENCY. Identifiers: MedGen C0342800, MONDO:0013461, OMIM 613850.

Allele frequency attached by ClinVar (database versions not stated): ExAC 0.00009; TOPMed 0.00010; gnomAD 0.00015 and 0.00016; ESP Exome Variant Server 0.00023.
gnomAD v4.1: 160 of 1,614,052 alleles (0.0099%); highest among the groups gnomAD compares: Non-Finnish European, 0.0093%; no homozygotes.

Submissions (2):

CeGaT Center for Human Genetics Tuebingen
Classification: Uncertain significance. Last evaluated: 2025-08-01. Review status: criteria provided, single submitter. Criteria: CeGaT Center For Human Genetics Tuebingen Variant Classification Criteria Version 2. Collection method: clinical testing. Allele origin: germline. Affected: yes. Observed: 1 variant allele.
Comment: ITPA: PM2, BP4

Labcorp Genetics (formerly Invitae), Labcorp
Classification: Uncertain significance for Inosine triphosphatase deficiency. Last evaluated: 2025-07-15. Review status: criteria provided, single submitter. Criteria: Invitae Variant Classification Sherloc (09022015). Collection method: clinical testing. Allele origin: germline.
Comment: This sequence change replaces threonine, which is neutral and polar, with alanine, which is neutral and non-polar, at codon 34 of the ITPA protein (p.Thr34Ala). This variant is present in population databases (rs199769023, gnomAD 0.05%). This variant has not been reported in the literature in individuals affected with ITPA-related conditions. ClinVar contains an entry for this variant (Variation ID: 854570). An algorithm developed to predict the effect of missense changes on protein structure and function (PolyPhen-2) suggests that this variant is likely to be tolerated. In summary, the available evidence is currently insufficient to determine the role of this variant in disease. Therefore, it has been classified as a Variant of Uncertain Significance.